The following is an entry in ClinVar:

ClinVar aggregate classification (germline): Pathogenic/Likely pathogenic. Review status: criteria provided, multiple submitters, no conflicts (2 of 4 stars). 41 submissions from 40 submitters: Pathogenic (25); Likely pathogenic (11). 5 of the submissions do not count toward it. Last evaluated 2026-09-01.

Conditions:
Mitochondrial DNA maintenance disorder.
Spinocerebellar ataxia with epilepsy. Also called: Myoclonic Epilepsy Myopathy Sensory Ataxia (MEMSA). Identifiers: Orphanet 254881, MedGen C1843852, MONDO:0016809.
Sensory ataxic neuropathy, dysarthria, and ophthalmoparesis (SANDO). Also called: Ataxia Neuropathy Spectrum (ANS); SENSORY ATAXIC NEUROPATHY WITH MITOCHONDRIAL DNA DELETIONS, AUTOSOMAL RECESSIVE; Epilepsy, progressive myoclonic, type 5; Sensory ataxic neuropathy-dysarthria-ophthalmoparesis syndrome. Identifiers: Orphanet 70595, MedGen C1843851, MONDO:0011835, OMIM 607459.
POLG-related disorder. Also called: POLG-related condition; POLG-Related Disorders; POLG-Related Spectrum Disorders. Identifiers: MedGen C4763519.
Progressive sclerosing poliodystrophy (MTDPS4A). Also called: Alpers-Huttenlocher Syndrome (AHS); ALPERS PROGRESSIVE INFANTILE POLIODYSTROPHY; Alpers-Huttenlocher Syndrome; NEURONAL DEGENERATION OF CHILDHOOD WITH LIVER DISEASE, PROGRESSIVE; Mitochondrial DNA Depletion Syndrome 4A; ALPERS DIFFUSE DEGENERATION OF CEREBRAL GRAY MATTER WITH HEPATIC CIRRHOSIS. Identifiers: Orphanet 726, MedGen C0205710, MONDO:0008758, OMIM 203700.
Progressive external ophthalmoplegia with mitochondrial DNA deletions, autosomal dominant 1 (PEOA1). Also called: Autosomal Dominant Progressive External Ophthalmoplegia (adPEO); PROGRESSIVE EXTERNAL OPHTHALMOPLEGIA, AUTOSOMAL DOMINANT 1. Identifiers: MedGen C1834846, MONDO:0024528, OMIM 157640.
Progressive external ophthalmoplegia with mitochondrial DNA deletions, autosomal recessive 1 (PEOB1). Also called: Progressive external ophthalmoplegia, autosomal recessive 1; Autosomal Recessive Progressive External Ophthalmoplegia (arPEO). Identifiers: Orphanet 254886, MedGen C4225153, MONDO:0009783, OMIM 258450.
Inborn genetic diseases. Identifiers: MedGen C0950123, MeSH D030342.
Mitochondrial DNA depletion syndrome 4b. Also called: MNGIE, POLG-RELATED; Mitochondrial Neurogastrointestinal Encephalopathy Disease, POLG-Related. Identifiers: Orphanet 298, MedGen C3150914, MONDO:0013350, OMIM 613662.
Hereditary spastic paraplegia. Also called: Familial spastic paraparesis. Identifiers: Orphanet 685, MedGen C0037773, MONDO:0019064. Disease mechanism: loss of function.
Mitochondrial disease. Also called: Mitochondrial disorders; Mitochondrial disorder. Identifiers: Orphanet 68380, MedGen C0751651, MeSH D028361, MONDO:0044970.
Tip-toe gait. Also called: Toe walking. Identifiers: MedGen C0427144, HP:0030051.

Allele frequency attached by ClinVar (database versions not stated): 1000 Genomes Project 0.00020; gnomAD 0.00096 and 0.00093; 1000 Genomes Project 30x 0.00016; TOPMed 0.00094.

Submissions 1 to 7 of 41:

CeGaT Center for Human Genetics Tuebingen
Classification: Pathogenic. Last evaluated: 2026-09-01. Review status: criteria provided, single submitter. Criteria: CeGaT Center For Human Genetics Tuebingen Variant Classification Criteria Version 2. Collection method: clinical testing. Allele origin: germline. Affected: yes. Observed: 23 variant alleles.
Comment: POLG: PM3:Very Strong, PM2:Supporting, PP3

Victorian Clinical Genetics Services, Murdoch Childrens Research Institute
Classification: Pathogenic for Mitochondrial disease. Last evaluated: 2026-07-20. Review status: criteria provided, single submitter. Criteria: ACMG Guidelines, 2015. Collection method: clinical testing. Allele origin: germline. Affected: no.
Comment: This variant is classified as Pathogenic. Evidence in support of pathogenic classification: This variant is present in gnomAD <0.01 (v4: 2611 heterozygote(s), 1 homozygote(s)). An alternative nucleotide change, resulting in the same amino acid change, is also present in gnomAD (v4: 4 heterozygote(s), 0 homozygote(s)); This variant has very strong previous evidence of pathogenicity in unrelated individuals. This variant has been classified as pathogenic by mulitple clinical laboratories (ClinVar) and reported in many compound heterozygous individuals with POLG-related disorders (PMID: 16634032, 21880868, 30843307). In addition, this variant has been reported in at least three heterozygous patients with a phenotype consistent with POLG-related mitochondrial disease, however a second hit was not identified and the possibility of autosomal recessive disease was not excluded (PMID: 18546365); Missense variant predicted to be damaging by in silico tool(s) and/or highly conserved with a major amino acid change. Additional information: Variant is predicted to result in a missense amino acid change from Gly to Arg; This variant is heterozygous; This gene is associated with both recessive and dominant disease. Variants are usually inherited in a recessive manner, however progressive external ophthalmoplegia can also be dominant when heterozygous variants are located in the highly conserved active site of motif B of the polymerase domain (PMID: 30451971); Variant is not located in an established domain, motif, hotspot or informative constraint region; Loss of function is a known mechanism of disease in this gene and is associated with mitochondrial disease (MONDO#0044970), POLG-related; Variants in this gene are known to have variable expressivity (PMID: 20301791).

Genetics Laboratory, Great Ormond Street Hospital NHS Foundation Trust, North Thames Genomic Laboratory Hub
Classification: Pathogenic for Mitochondrial DNA maintenance disorder. Last evaluated: 2026-06-16. Review status: criteria provided, single submitter. Criteria: ACGS Best Practice Guidelines for Variant Classification in Rare Disease 2024 v1.2. Collection method: clinical testing. Allele origin: germline. Affected: yes.
Comment: PP3_supporting, PS3_supporting, PP1_moderate, PM3_very-strong

PreventionGenetics, part of Exact Sciences
Classification: Likely pathogenic for POLG-related condition. Last evaluated: 2026-03-27. Review status: criteria provided, single submitter. Criteria: ACMG Guidelines, 2015. Collection method: clinical testing. Allele origin: germline.
Comment: The POLG c.2209G>C variant is predicted to result in the amino acid substitution p.Gly737Arg. This variant has been reported along with a second POLG variant in several individuals with mitochondrial DNA maintenance disorders which include progressive external ophthalmoplegia, Charcot-Marie-Tooth disease, and early-onset Parkinsonism; this variant was reported to co-segregate with autosomal recessive disease in at least two families (see, for example, Davidzon et al. 2006. PubMed ID: 16634032; Harrower et al. 2008. PubMed ID: 18195151; supplementary data, Tang et al. 2011. PMID: 21880868). This variant is reported in 0.13% of alleles in individuals of European (Non-Finnish) descent in gnomAD, which is likely too common to be a cause of autosomal dominant disease. This variant has been interpreted as pathogenic or likely pathogenic by multiple independent submitters to the ClinVar database (Variation ID: 13513). Given all the evidence, we interpret c.2209G>C (p.Gly737Arg) as likely pathogenic for autosomal recessive POLG-related disorders.

Broad Center for Mendelian Genomics, Broad Institute of MIT and Harvard
Classification: Pathogenic for Progressive external ophthalmoplegia with mitochondrial DNA deletions, autosomal recessive 1. Last evaluated: 2026-03-05. Review status: criteria provided, single submitter. Criteria: ACMG Guidelines, 2015. Collection method: research. Allele origin: germline. Inheritance: Autosomal recessive inheritance. Study: GREGoR Consortium.
Comment: The p.Gly737Arg variant in POLG has been reported in the compound heterozygous state in at least 9 individuals with POLG-related disorders and segregated with disease in 2 affected individuals from 2 families (Davidzon 2006 PMID: 16634032; Tzoulis 2009 PMID:19566497; Phillips 2019 PMID:30843307; Milone 2008 PMID:18585914; Tang 2011 PMID:21880868; Harrower 2008 PMID:18195151). It has also been identified in 0.2% {2394/1179918) of European chromosomes, including 1 homozygous individual, by gnomAD. This variant has also been reported in ClinVar {Variation ID 13513). Computational prediction tools and conservation analyses support that this variant may impact the protein. In summary, this variant meets criteria to be classified as pathogenic for autosomal recessive POLG-related disorders. ACMG/AMP Criteria applied: PM3_VeryStrong, PP3, PP1.

Labcorp Genetics (formerly Invitae), Labcorp
Classification: Pathogenic for Progressive sclerosing poliodystrophy. Last evaluated: 2026-01-30. Review status: criteria provided, single submitter. Criteria: Invitae Variant Classification Sherloc (09022015). Collection method: clinical testing. Allele origin: germline.
Comment: This sequence change replaces glycine, which is neutral and non-polar, with arginine, which is basic and polar, at codon 737 of the POLG protein (p.Gly737Arg). This variant is present in population databases (rs121918054, gnomAD 0.1%), and has an allele count higher than expected for a pathogenic variant. This missense change has been observed in individual(s) with autosomal recessive POLG-related conditions (PMID: 16634032, 18546365, 18585914, 19566497, 24725338). In at least one individual the data is consistent with being in trans (on the opposite chromosome) from a pathogenic variant. It has also been observed to segregate with disease in related individuals. ClinVar contains an entry for this variant (Variation ID: 13513). Invitae Evidence Modeling of protein sequence and biophysical properties (such as structural, functional, and spatial information, amino acid conservation, physicochemical variation, residue mobility, and thermodynamic stability) indicates that this missense variant is expected to disrupt POLG protein function with a positive predictive value of 95%. For these reasons, this variant has been classified as Pathogenic.

Center for Genomic Medicine, Rigshospitalet, Copenhagen University Hospital
Classification: Pathogenic. Last evaluated: 2025-12-29. Review status: criteria provided, single submitter. Criteria: ACMG Guidelines, 2015. Collection method: clinical testing. Allele origin: germline.

NM_002693.3(POLG):c.2209G>C (p.Gly737Arg)

Gene: POLG (DNA polymerase gamma, catalytic subunit; minus strand). Cytogenetic location: 15q26.1.
Variant type: single nucleotide variant.
Coding change: c.2209G>C on transcript NM_002693.3 (MANE Select); coding-DNA position 2209, G replaced by C.
Protein change: p.Gly737Arg; replaces glycine 737 with arginine.
Molecular consequence: missense variant.
Genome position (GRCh38, 1-based): chr15:89,323,460, C>G on the plus strand (G>C on the coding strand, the complement: POLG is on the minus strand). VCF-style: chr15-89323460-C-G. GRCh37 (hg19) VCF-style: chr15-89866691-C-G.
Other names: p.G737R:GGA>CGA; NM_002693.3(POLG):c.2209G>C; c.2209G>C, p.Gly737Arg (NM_001126131.2); short protein forms G737R.
Identifiers: ClinVar variation 13513 (VCV000013513.118), dbSNP rs121918054, ClinGen allele CA201029.